The following is an entry in ClinVar:

NM_001366521.1(ATP2B1):c.687A>G (p.Ile229Met)

Gene: ATP2B1 (ATPase plasma membrane Ca2+ transporting 1; minus strand). Cytogenetic location: 12q21.33.
Variant type: single nucleotide variant.
Coding change: c.687A>G on transcript NM_001366521.1 (MANE Select); coding-DNA position 687, A replaced by G.
Protein change: p.Ile229Met; replaces isoleucine 229 with methionine.
Molecular consequence: missense variant. On other transcripts: non-coding transcript variant (3), intron variant (5).
Genome position (GRCh38, 1-based): chr12:89,634,878, T>C on the plus strand (A>G on the coding strand, the complement: ATP2B1 is on the minus strand). VCF-style: chr12-89634878-T-C. GRCh37 (hg19) VCF-style: chr12-90028655-T-C.
Other names: c.687A>G, p.Ile229Met (NM_001001323.2, NM_001366520.1, NM_001366522.1 and 17 more transcripts); c.489A>G, p.Ile163Met (NM_001366530.1, NM_001413053.1); c.432A>G, p.Ile144Met (NM_001413056.1); c.234A>G, p.Ile78Met (NM_001413057.1); c.406+7280A>G (NM_001413060.1, NM_001366531.1, NM_001413058.1 and 2 more transcripts); short protein forms I144M, I163M, I229M, I78M.
Identifiers: ClinVar variation 3251727 (VCV003251727.1), dbSNP rs2541262426.

ClinVar aggregate classification (germline): Uncertain significance (1 of 4 stars; one submission).

Submission:

Women's Health and Genetics/Laboratory Corporation of America, LabCorp
Classification: Uncertain significance. Last evaluated: 2024-04-24. Review status: criteria provided, single submitter. Criteria: LabCorp Variant Classification Summary - May 2015. Collection method: clinical testing. Allele origin: germline.
Comment: Variant summary: ATP2B1 c.687A>G (p.Ile229Met) results in a conservative amino acid change in the encoded protein sequence. Three of five in-silico tools predict a damaging effect of the variant on protein function. The variant was absent in 249870 control chromosomes. The available data on variant occurrences in the general population are insufficient to allow any conclusion about variant significance. To our knowledge, no occurrence of c.687A>G in individuals affected with Intellectual Developmental Disorder, Autosomal Dominant 66 and no experimental evidence demonstrating its impact on protein function have been reported. No submitters have cited clinical-significance assessments for this variant to ClinVar. Based on the evidence outlined above, the variant was classified as uncertain significance.